The following is an entry in ClinVar:

ClinVar aggregate classification (germline): Uncertain significance. Review status: criteria provided, multiple submitters, no conflicts (2 of 4 stars). 9 submissions from 9 submitters: Uncertain significance (9). Last evaluated 2025-11-30.

Conditions:
Hereditary nonpolyposis colorectal neoplasms. Identifiers: MedGen C0009405, MeSH D003123.
Hereditary cancer-predisposing syndrome. Also called: Tumor predisposition; Hereditary neoplastic syndrome; Hereditary Cancer Syndrome; Neoplastic Syndromes, Hereditary. Identifiers: Orphanet 140162, MedGen C0027672, MeSH D009386, MONDO:0015356.
Lynch syndrome 4 (LYNCH4). Also called: Hereditary non-polyposis colorectal cancer, type 4; Colorectal cancer, hereditary nonpolyposis, type 4. Identifiers: Orphanet 144, MedGen C1838333, MONDO:0013699, OMIM 614337. Disease mechanism: loss of function.
Lynch syndrome. Identifiers: Orphanet 144, MedGen C4552100, MONDO:0005835. Disease mechanism: loss of function.

Allele frequency attached by ClinVar (database versions not stated): gnomAD exomes below 0.00001; TOPMed 0.00001.
gnomAD v4.1: 1 of 1,614,156 alleles (0.000062%); highest among the groups gnomAD compares: Non-Finnish European, 0.000085%; no homozygotes.

Submissions (9):

Labcorp Genetics (formerly Invitae), Labcorp
Classification: Uncertain significance for Hereditary nonpolyposis colorectal neoplasms. Last evaluated: 2025-11-30. Review status: criteria provided, single submitter. Criteria: Invitae Variant Classification Sherloc (09022015). Collection method: clinical testing. Allele origin: germline.
Comment: This sequence change replaces phenylalanine, which is neutral and non-polar, with serine, which is neutral and polar, at codon 424 of the PMS2 protein (p.Phe424Ser). This variant is not present in population databases (gnomAD no frequency). This variant has not been reported in the literature in individuals affected with PMS2-related conditions. ClinVar contains an entry for this variant (Variation ID: 234733). Invitae Evidence Modeling incorporating data from in vitro experimental studies (internal data) indicates that this missense variant is not expected to disrupt PMS2 function with a negative predictive value of 95%. In summary, the available evidence is currently insufficient to determine the role of this variant in disease. Therefore, it has been classified as a Variant of Uncertain Significance.

Dasa
Classification: Uncertain significance. Last evaluated: 2025-04-01. Review status: criteria provided, single submitter. Criteria: DASA Assertion Criteria. Collection method: clinical testing. Allele origin: germline.
Comment: NM_000535.7(PMS2):c.1271T>C (p.Phe424Ser) is a missense variant that results in the substitution of phenylalanine with serine. This variant is rare in population databases. The currently available literature and clinical evidence are not sufficient to establish a definitive association between this variant and the reported condition. Therefore, this variant is classified as a variant of uncertain significance.

Ambry Genetics
Classification: Uncertain significance for Hereditary cancer-predisposing syndrome. Last evaluated: 2025-01-29. Review status: criteria provided, single submitter. Criteria: Ambry Variant Classification Scheme 2023. Collection method: clinical testing. Allele origin: germline.
Comment: The p.F424S variant (also known as c.1271T>C), located in coding exon 11 of the PMS2 gene, results from a T to C substitution at nucleotide position 1271. The phenylalanine at codon 424 is replaced by serine, an amino acid with highly dissimilar properties. This amino acid position is highly conserved in available vertebrate species. In addition, the in silico prediction for this alteration is inconclusive. Based on the available evidence, the clinical significance of this variant remains unclear.

Color Diagnostics, LLC DBA Color Health
Classification: Uncertain significance for Hereditary cancer-predisposing syndrome. Last evaluated: 2024-05-31. Review status: criteria provided, single submitter. Criteria: ACMG Guidelines, 2015. Collection method: clinical testing. Allele origin: germline.
Comment: This missense variant replaces phenylalanine with serine at codon 424 of the PMS2 protein. Computational prediction suggests that this variant may not impact protein structure and function (internally defined REVEL score threshold <= 0.5, PMID: 27666373). To our knowledge, functional studies have not been reported for this variant. This variant has not been reported in individuals affected with PMS2-related disorders in the literature. This variant has not been identified in the general population by the Genome Aggregation Database (gnomAD). The available evidence is insufficient to determine the role of this variant in disease conclusively. Therefore, this variant is classified as a Variant of Uncertain Significance.

Baylor Genetics
Classification: Uncertain significance for Lynch syndrome 4. Last evaluated: 2024-02-28. Review status: criteria provided, single submitter. Criteria: ACMG Guidelines, 2015. Collection method: clinical testing. Allele origin: unknown.

All of Us Research Program, National Institutes of Health
Classification: Uncertain significance for Lynch syndrome. Last evaluated: 2023-08-15. Review status: criteria provided, single submitter. Criteria: ACMG Guidelines, 2015. Collection method: clinical testing. Allele origin: germline. Inheritance: Autosomal dominant inheritance. Observed: 3 variant alleles, 3 heterozygotes.
Comment: This missense variant replaces phenylalanine with serine at codon 424 of the PMS2 protein. Computational prediction suggests that this variant may not impact protein structure and function (internally defined REVEL score threshold <= 0.5, PMID: 27666373). To our knowledge, functional studies have not been reported for this variant. This variant has not been reported in individuals affected with PMS2-related disorders in the literature. This variant has not been identified in the general population by the Genome Aggregation Database (gnomAD). The available evidence is insufficient to determine the role of this variant in disease conclusively. Therefore, this variant is classified as a Variant of Uncertain Significance.

This study involves interpretation of variants in research participants for the purpose of population health screening. Participant phenotype was not available at the time of variant classification. Additional details can be found in publication PMID: 35346344, PMCID: PMC8962531

Mendelics
Classification: Uncertain significance for Lynch syndrome. Last evaluated: 2018-07-02. Review status: criteria provided, single submitter. Criteria: Mendelics Assertion Criteria 2017. Collection method: clinical testing. Allele origin: unknown.

Quest Diagnostics Nichols Institute San Juan Capistrano
Classification: Uncertain significance. Last evaluated: 2017-04-08. Review status: criteria provided, single submitter. Criteria: Quest Diagnostics criteria. Collection method: clinical testing. Allele origin: germline.

GeneDx
Classification: Uncertain significance. Last evaluated: 2015-12-31. Review status: criteria provided, single submitter. Criteria: GeneDx Variant Classification (06012015). Collection method: clinical testing. Allele origin: germline. Affected: yes.
Comment: This variant is denoted PMS2 c.1271T>C at the cDNA level, p.Phe424Ser (F424S) at the protein level, and results in the change of a Phenylalanine to a Serine (TTT>TCT). This variant has not, to our knowledge, been published in the literature as pathogenic or benign. PMS2 Phe424Ser was not observed in approximately 6,500 individuals of European and African American ancestry in the NHLBI Exome Sequencing Project, suggesting it is not a common benign variant in these populations. Since Phenylalanine and Serine differ in polarity, charge, size or other properties, this is considered a non-conservative amino acid substitution. PMS2 Phe424Ser occurs at a position that is conserved across species and is not located in a known functional domain. In silico analyses are inconsistent regarding the effect this variant may have on protein structure and function. Based on currently available evidence, it is unclear whether PMS2 Phe424Ser is a pathogenic or benign variant. We consider it to be a variant of uncertain significance.

NM_000535.7(PMS2):c.1271T>C (p.Phe424Ser)

Gene: PMS2 (PMS1 homolog 2, mismatch repair system component; minus strand). Cytogenetic location: 7p22.1.
Variant type: single nucleotide variant.
Coding change: c.1271T>C on transcript NM_000535.7 (MANE Select); coding-DNA position 1271, T replaced by C.
Protein change: p.Phe424Ser; replaces phenylalanine 424 with serine.
Molecular consequence: missense variant. On other transcripts: non-coding transcript variant (1).
Genome position (GRCh38, 1-based): chr7:5,987,494, A>G on the plus strand (T>C on the coding strand, the complement: PMS2 is on the minus strand). VCF-style: chr7-5987494-A-G. GRCh37 (hg19) VCF-style: chr7-6027125-A-G.
Other names: c.866T>C, p.Phe289Ser (NM_001322003.2, NM_001322004.2, NM_001322005.2 and 1 more transcripts); c.1115T>C, p.Phe372Ser (NM_001322006.2); c.953T>C, p.Phe318Ser (NM_001322007.2, NM_001322008.2); c.710T>C, p.Phe237Ser (NM_001322010.2); c.338T>C, p.Phe113Ser (NM_001322011.2, NM_001322012.2); c.698T>C, p.Phe233Ser (NM_001322013.2); c.1271T>C, p.Phe424Ser (NM_001322014.2); c.962T>C, p.Phe321Ser (NM_001322015.2); short protein forms F424S, F318S, F113S, F233S, F321S, F237S, F289S, F372S.
Identifiers: ClinVar variation 234733 (VCV000234733.25), dbSNP rs876661186, ClinGen allele CA10577345.